The following is an entry in ClinVar:

NM_003998.4(NFKB1):c.1429G>T (p.Val477Phe)

Gene: NFKB1 (nuclear factor kappa B subunit 1; plus strand). Cytogenetic location: 4q24.
Variant type: single nucleotide variant.
Coding change: c.1429G>T on transcript NM_003998.4 (MANE Select); coding-DNA position 1429, G replaced by T.
Protein change: p.Val477Phe; replaces valine 477 with phenylalanine.
Molecular consequence: missense variant.
Genome position (GRCh38, 1-based): chr4:102,596,266, G>T. VCF-style: chr4-102596266-G-T. GRCh37 (hg19) VCF-style: chr4-103517423-G-T.
Other names: c.1426G>T, p.Val476Phe (NM_001165412.2, NM_001319226.2); short protein forms V476F, V477F.
Identifiers: ClinVar variation 787032 (VCV000787032.34), dbSNP rs56147914, ClinGen allele CA3026153.

ClinVar aggregate classification (germline): Benign/Likely benign. Review status: criteria provided, multiple submitters, no conflicts (2 of 4 stars). 4 submissions from 4 submitters: Benign (1); Likely benign (3). Last evaluated 2026-01-23.

Allele frequency attached by ClinVar (database versions not stated): ESP Exome Variant Server 0.00062; TOPMed 0.00084; 1000 Genomes Project 0.00120; 1000 Genomes Project 30x 0.00125.
gnomAD v4.1: 188 of 1,613,704 alleles (0.012%); highest among the groups gnomAD compares: African/African-American, 0.21%; 1 homozygote.

Submissions (4):

Women's Health and Genetics/Laboratory Corporation of America, LabCorp
Classification: Likely benign. Last evaluated: 2026-01-23. Review status: criteria provided, single submitter. Criteria: LabCorp Variant Classification Summary - May 2015. Collection method: clinical testing. Allele origin: germline.

Labcorp Genetics (formerly Invitae), Labcorp
Classification: Likely benign. Last evaluated: 2025-10-27. Review status: criteria provided, single submitter. Criteria: Invitae Variant Classification Sherloc (09022015). Collection method: clinical testing. Allele origin: germline.

Blueprint Genetics
Classification: Likely benign. Last evaluated: 2024-08-15. Review status: criteria provided, single submitter. Criteria: ACMG Guidelines, 2015. Collection method: clinical testing. Allele origin: germline.

CeGaT Center for Human Genetics Tuebingen
Classification: Benign. Last evaluated: 2022-04-01. Review status: criteria provided, single submitter. Criteria: CeGaT Center For Human Genetics Tuebingen Variant Classification Criteria Version 2. Collection method: clinical testing. Allele origin: germline. Affected: yes. Observed: 1 variant allele.
Comment: NFKB1: BS1, BS2